The following is an entry in ClinVar:

ClinVar aggregate classification (germline): Uncertain significance. Review status: criteria provided, multiple submitters, no conflicts (2 of 4 stars). 3 submissions from 3 submitters: Uncertain significance (3). Last evaluated 2021-07-20.

Conditions:
Alstrom syndrome (ALMS). Identifiers: Orphanet 64, MedGen C0268425, MONDO:0008763, OMIM 203800.
Cardiovascular phenotype. Identifiers: MedGen CN230736.

Allele frequency attached by ClinVar (database versions not stated): gnomAD exomes below 0.00001 and 0.00001; TOPMed below 0.00001.
gnomAD v4.1: 1 of 1,551,058 alleles (0.000064%); highest among the groups gnomAD compares: Admixed American, 0.002%; no homozygotes.

Submissions (3):

Ambry Genetics
Classification: Uncertain significance for Cardiovascular phenotype. Last evaluated: 2021-07-20. Review status: criteria provided, single submitter. Criteria: Ambry Variant Classification Scheme 2023. Collection method: clinical testing. Allele origin: germline.
Comment: The p.V42A variant (also known as c.125T>C), located in coding exon 1 of the ALMS1 gene, results from a T to C substitution at nucleotide position 125. The valine at codon 42 is replaced by alanine, an amino acid with similar properties. This amino acid position is well conserved in available vertebrate species. In addition, this alteration is predicted to be tolerated by in silico analysis. Since supporting evidence is limited at this time, the clinical significance of this alteration remains unclear.

Labcorp Genetics (formerly Invitae), Labcorp
Classification: Uncertain significance for Alstrom syndrome. Last evaluated: 2021-06-13. Review status: criteria provided, single submitter. Criteria: Invitae Variant Classification Sherloc (09022015). Collection method: clinical testing. Allele origin: germline.
Comment: This sequence change replaces valine with alanine at codon 42 of the ALMS1 protein (p.Val42Ala). The valine residue is weakly conserved and there is a small physicochemical difference between valine and alanine. This variant is not present in population databases (ExAC no frequency). This variant has not been reported in the literature in individuals with ALMS1-related conditions. Experimental studies and prediction algorithms are not available or were not evaluated, and the functional significance of this variant is currently unknown. In summary, the available evidence is currently insufficient to determine the role of this variant in disease. Therefore, it has been classified as a Variant of Uncertain Significance.

GeneDx
Classification: Uncertain significance. Last evaluated: 2019-11-11. Review status: criteria provided, single submitter. Criteria: GeneDx Variant Classification Process June 2021. Collection method: clinical testing. Allele origin: germline. Affected: yes.
Comment: Has not been previously published as pathogenic or benign to our knowledge

NM_001378454.1(ALMS1):c.122T>C (p.Val41Ala)

Gene: ALMS1 (ALMS1 centrosome and basal body associated protein; plus strand). Cytogenetic location: 2p13.1.
Variant type: single nucleotide variant.
Coding change: c.122T>C on transcript NM_001378454.1 (MANE Select); coding-DNA position 122, T replaced by C.
Protein change: p.Val41Ala; replaces valine 41 with alanine.
Molecular consequence: missense variant.
Genome position (GRCh38, 1-based): chr2:73,385,990, T>C. VCF-style: chr2-73385990-T-C. GRCh37 (hg19) VCF-style: chr2-73613118-T-C.
Other names: c.125T>C, p.Val42Ala (NM_015120.4); short protein forms V41A, V42A.
Identifiers: ClinVar variation 1309435 (VCV001309435.7), dbSNP rs1558624684, ClinGen allele CA347250653.